The following is an entry in ClinVar:

ClinVar aggregate classification (germline): Uncertain significance (1 of 4 stars; one submission).

Submission:

CeGaT Center for Human Genetics Tuebingen
Classification: Uncertain significance. Last evaluated: 2023-07-01. Review status: criteria provided, single submitter. Criteria: CeGaT Center For Human Genetics Tuebingen Variant Classification Criteria Version 2. Collection method: clinical testing. Allele origin: germline. Affected: yes. Observed: 1 variant allele.
Comment: PTPN11: PM2, PP3

NM_002834.5(PTPN11):c.921_933+11del

Gene: PTPN11 (protein tyrosine phosphatase non-receptor type 11; plus strand). Cytogenetic location: 12q24.13.
Variant type: Deletion.
Coding change: c.921_933+11del on transcript NM_002834.5 (MANE Select); coding-DNA position 921 through 11 bases into the intron after coding-DNA position 933, 24 bases deleted (AAATATCATCATGGTAAGCTTTGC).
Molecular consequence: splice donor variant.
Genome position (GRCh38, 1-based): chr12:112,477,718-112,477,741, AAATATCATCATGGTAAGCTTTGC deleted; deleting any 24 consecutive bases within chr12:112,477,715-112,477,741 gives the same sequence; the c. name uses the placement nearest the transcript's 3' end. VCF-style (leftmost placement, unchanged base first): chr12-112477714-ATGCAAATATCATCATGGTAAGCTT-A. GRCh37 (hg19) VCF-style: chr12-112915518-ATGCAAATATCATCATGGTAAGCTT-A.
Other names: c.921_933+11del (NM_001330437.2, NM_080601.3); c.918_930+11del (NM_001374625.1).
Identifiers: ClinVar variation 2643341 (VCV002643341.24), dbSNP rs2540451833, ClinGen allele CA2695199174.